The following is an entry in ClinVar:

NC_000017.10:g.(?_29575992)_(29592367_?)dup

Gene: NF1 (neurofibromin 1; plus strand). Cytogenetic location: 17q11.2.
Variant type: Duplication.
Identifiers: ClinVar variation 1510424 (VCV001510424.4).

ClinVar aggregate classification (germline): Uncertain significance (1 of 4 stars; one submission).

Conditions:
Neurofibromatosis, type 1 (NF1). Also called: Neurofibromatosis, type I; Peripheral type neurofibromatosis; VON RECKLINGHAUSEN DISEASE; NEUROFIBROMATOSIS, TYPE I, SOMATIC. Identifiers: Orphanet 636, MedGen C0027831, MONDO:0018975, OMIM 162200. Disease mechanism: loss of function.

Submission:

Labcorp Genetics (formerly Invitae), Labcorp
Classification: Uncertain significance for Neurofibromatosis, type 1. Last evaluated: 2021-09-03. Review status: criteria provided, single submitter. Criteria: Invitae Variant Classification Sherloc (09022015). Collection method: clinical testing. Allele origin: germline.
Comment: In summary, the available evidence is currently insufficient to determine the role of this variant in disease. Therefore, it has been classified as a Variant of Uncertain Significance. Experimental studies and prediction algorithms are not available or were not evaluated, and the functional significance of this variant is currently unknown. This variant has not been reported in the literature in individuals affected with NF1-related conditions. This variant results in a copy number gain of the genomic region encompassing exon(s) 30-35 of the NF1 gene. While the exact position of this variant cannot be determined from the data, sub-genic copy number gains are generally in tandem (PMID: 25640679). This variant is predicted to be in-frame, and likely preserves the integrity of the reading frame.

Literature cited by the submitters: PubMed 25640679.